The following is an entry in ClinVar:

ClinVar aggregate classification (germline): Likely pathogenic. Review status: criteria provided, multiple submitters, no conflicts (2 of 4 stars). 2 submissions from 2 submitters: Likely pathogenic (2). Last evaluated 2025-12-08.

Conditions:
Glycogen storage disease, type IV (GSD4). Also called: AMYLOPECTINOSIS; ANDERSEN DISEASE; BRANCHER DEFICIENCY; CIRRHOSIS, FAMILIAL, WITH DEPOSITION OF ABNORMAL GLYCOGEN; GBE1 DEFICIENCY; GLYCOGEN BRANCHING ENZYME DEFICIENCY. Identifiers: Orphanet 367, MedGen C0017923, MONDO:0009292, OMIM 232500.
Glycogen storage disease IV, classic hepatic. Also called: GSD IV, CLASSIC HEPATIC. Identifiers: MedGen C1856301.

gnomAD v4.1: 13 of 1,607,288 alleles (0.00081%); highest among the groups gnomAD compares: South Asian, 0.0011%; no homozygotes.

Submissions (2):

Labcorp Genetics (formerly Invitae), Labcorp
Classification: Likely pathogenic for Glycogen storage disease, type IV; Glycogen storage disease IV, classic hepatic. Last evaluated: 2025-12-08. Review status: criteria provided, single submitter. Criteria: Invitae Variant Classification Sherloc (09022015). Collection method: clinical testing. Allele origin: germline.
Comment: This sequence change affects codon 47 of the GBE1 mRNA. It is a 'silent' change, meaning that it does not change the encoded amino acid sequence of the GBE1 protein. This variant is present in population databases (no rsID available, gnomAD 0.003%). This variant has been observed in individual(s) with glycogen storage disease (PMID: 37598009). In at least one individual the data is consistent with being in trans (on the opposite chromosome) from a pathogenic variant. Algorithms developed to predict the effect of sequence changes on RNA splicing suggest that this variant may disrupt the consensus splice site. In summary, the currently available evidence indicates that the variant is pathogenic, but additional data are needed to prove that conclusively. Therefore, this variant has been classified as Likely Pathogenic.

Natera, Inc.
Classification: Likely pathogenic for Glycogen storage disease type IV. Last evaluated: 2025-05-30. Review status: criteria provided, single submitter. Criteria: Natera Variant Classification Schema (03/2026). Collection method: clinical testing. Allele origin: germline.
Comment: The c.141C>T variant in GBE1 is a synonymous variant that does not alter the encoded amino acid at position 47 (p.R47=). This variant is rare in the general population with a frequency below the threshold expected for the associated phenotype(s). This variant has been observed in one or more individuals affected with the associated recessive disease, as either homozygous or compound heterozygous with a second variant (PMID: 37598009). This variant has been identified in one or more affected individuals with a phenotype highly consistent with the associated gene (PMID: 37598009). Computational prediction algorithms indicate this variant is likely to affect gene or protein function. Given the available evidence, this variant is classified as Likely Pathogenic.

Literature cited by the submitters: PubMed 37598009 (cited by Labcorp Genetics (formerly Invitae), Labcorp and Natera, Inc.).

NM_000158.4(GBE1):c.141C>T (p.Arg47=)

Gene: GBE1 (1,4-alpha-glucan branching enzyme 1; minus strand). Cytogenetic location: 3p12.2.
Variant type: single nucleotide variant.
Coding change: c.141C>T on transcript NM_000158.4 (MANE Select); coding-DNA position 141, C replaced by T.
Protein change: p.Arg47=; no amino-acid change (arginine 47 retained).
Molecular consequence: synonymous variant.
Genome position (GRCh38, 1-based): chr3:81,761,377, G>A on the plus strand (C>T on the coding strand, the complement: GBE1 is on the minus strand). VCF-style: chr3-81761377-G-A. GRCh37 (hg19) VCF-style: chr3-81810528-G-A.
Other names: c.141C>T (NM_000158.3).
Identifiers: ClinVar variation 4789826 (VCV004789826.2).